The following is an entry in ClinVar:

ClinVar aggregate classification (germline): Uncertain significance (1 of 4 stars; one submission).

Conditions:
Cardiovascular phenotype. Identifiers: MedGen CN230736.

gnomAD v4.1: 3 of 1,551,688 alleles (0.00019%); highest among the groups gnomAD compares: Non-Finnish European, 0.00026%; no homozygotes.

Submission:

Ambry Genetics
Classification: Uncertain significance for Cardiovascular phenotype. Last evaluated: 2026-07-07. Review status: criteria provided, single submitter. Criteria: Ambry Variant Classification Scheme 2023. Collection method: clinical testing. Allele origin: germline.
Comment: The p.N121S variant (also known as c.362A>G), located in coding exon 2 of the RBM20 gene, results from an A to G substitution at nucleotide position 362. The asparagine at codon 121 is replaced by serine, an amino acid with highly similar properties. This amino acid position is conserved. In addition, the in silico prediction for this alteration is inconclusive. Based on the available evidence, the clinical significance of this variant remains unclear.

NM_001134363.3(RBM20):c.362A>G (p.Asn121Ser)

Gene: RBM20 (RNA binding motif protein 20; plus strand). Cytogenetic location: 10q25.2.
Variant type: single nucleotide variant.
Coding change: c.362A>G on transcript NM_001134363.3 (MANE Select); coding-DNA position 362, A replaced by G.
Protein change: p.Asn121Ser; replaces asparagine 121 with serine.
Molecular consequence: missense variant.
Genome position (GRCh38, 1-based): chr10:110,780,971, A>G. VCF-style: chr10-110780971-A-G. GRCh37 (hg19) VCF-style: chr10-112540729-A-G.
Other names: short protein forms N121S.
Identifiers: ClinVar variation 5028015 (VCV005028015.1).
Genomic context (GRCh38, chr10:110,780,971, plus strand): 5'-ACCGGCTGAAGCTGGCACAGACAGCTGTCACCAACAACACTGCAGCCGCCACAGTCCTGA[A>G]CCAAGTCCTCTCCAAAGTGGCCATGTCCCAGCCTCTCTTCAATCAACTGAGGCATCCGTC-3'
Protein context (NP_001127835.2, residues 111-131): TNNTAAATVL[Asn121Ser]QVLSKVAMSQ